The following is an entry in ClinVar:

NM_015898.4(ZBTB7A):c.695G>T (p.Gly232Val)

Gene: ZBTB7A (zinc finger and BTB domain containing 7A; minus strand). Cytogenetic location: 19p13.3.
Variant type: single nucleotide variant.
Coding change: c.695G>T on transcript NM_015898.4 (MANE Select); coding-DNA position 695, G replaced by T.
Protein change: p.Gly232Val; replaces glycine 232 with valine.
Molecular consequence: missense variant.
Genome position (GRCh38, 1-based): chr19:4,054,538, C>A on the plus strand (G>T on the coding strand, the complement: ZBTB7A is on the minus strand). VCF-style: chr19-4054538-C-A. GRCh37 (hg19) VCF-style: chr19-4054536-C-A.
Other names: c.695G>T, p.Gly232Val (NM_001317990.2); short protein forms G232V.
Identifiers: ClinVar variation 3893526 (VCV003893526.1).
Genomic context (GRCh38, chr19:4,054,538, plus strand): 5'-GGGGCGTCCTCATCCCGCTCTGGCCACAGACCCGGGTTGCTGTCGCCCTCGTCCCCGTCC[C>A]CCGTCGGGGGCCGCTCGGCCGGGGGGCCCGGCCCATAGAAGTCTAAGCCGTTGCAGTCGC-3'
Protein context (NP_056982.1, residues 222-242): PGPPAERPPT[Gly232Val]DGDEGDSNPG

ClinVar aggregate classification (germline): Uncertain significance (1 of 4 stars; one submission).

Submission:

GeneDx
Classification: Uncertain significance. Last evaluated: 2024-10-23. Review status: criteria provided, single submitter. Criteria: GeneDx Variant Classification Process June 2021. Collection method: clinical testing. Allele origin: germline. Affected: yes.
Comment: Not observed at significant frequency in large population cohorts (gnomAD); In silico analysis indicates that this missense variant does not alter protein structure/function; Has not been previously published as pathogenic or benign to our knowledge